The following is an entry in ClinVar:

ClinVar aggregate classification (germline): Uncertain significance (1 of 4 stars; one submission).

gnomAD v4.1: 2 of 1,614,106 alleles (0.00012%); highest among the groups gnomAD compares: African/African-American, 0.0013%; no homozygotes.

Submission:

Labcorp Genetics (formerly Invitae), Labcorp
Classification: Uncertain significance. Last evaluated: 2025-12-25. Review status: criteria provided, single submitter. Criteria: Invitae Variant Classification Sherloc (09022015). Collection method: clinical testing. Allele origin: germline.
Comment: This sequence change replaces threonine, which is neutral and polar, with alanine, which is neutral and non-polar, at codon 1691 of the PHIP protein (p.Thr1691Ala). This variant is not present in population databases (gnomAD no frequency). This variant has not been reported in the literature in individuals affected with PHIP-related conditions. Invitae Evidence Modeling of protein sequence and biophysical properties (such as structural, functional, and spatial information, amino acid conservation, physicochemical variation, residue mobility, and thermodynamic stability) indicates that this missense variant is not expected to disrupt PHIP protein function with a negative predictive value of 95%. In summary, the available evidence is currently insufficient to determine the role of this variant in disease. Therefore, it has been classified as a Variant of Uncertain Significance.

NM_017934.7(PHIP):c.5071A>G (p.Thr1691Ala)

Genes: IRAK1BP1 (interleukin 1 receptor associated kinase 1 binding protein 1; plus strand), PHIP (PHIP subunit of CUL4-Ring ligase complex; minus strand). Cytogenetic location: 6q14.1.
Variant type: single nucleotide variant.
Coding change: c.5071A>G on transcript NM_017934.7 (MANE Select); coding-DNA position 5071, A replaced by G.
Protein change: p.Thr1691Ala; replaces threonine 1691 with alanine.
Molecular consequence: missense variant.
Genome position (GRCh38, 1-based): chr6:78,941,088, T>C on the plus strand (A>G on the coding strand, the complement: PHIP is on the minus strand). VCF-style: chr6-78941088-T-C. GRCh37 (hg19) VCF-style: chr6-79650805-T-C.
Other names: short protein forms T1691A.
Identifiers: ClinVar variation 4807326 (VCV004807326.1).